The following is an entry in ClinVar:

NM_001378414.1(HDAC4):c.1277A>G (p.Gln426Arg)

Gene: HDAC4 (histone deacetylase 4; minus strand). Cytogenetic location: 2q37.3.
Variant type: single nucleotide variant.
Coding change: c.1277A>G on transcript NM_001378414.1 (MANE Select); coding-DNA position 1277, A replaced by G.
Protein change: p.Gln426Arg; replaces glutamine 426 with arginine.
Molecular consequence: missense variant.
Genome position (GRCh38, 1-based): chr2:239,134,262, T>C on the plus strand (A>G on the coding strand, the complement: HDAC4 is on the minus strand). VCF-style: chr2-239134262-T-C. GRCh37 (hg19) VCF-style: chr2-240055958-T-C.
Other names: c.1277A>G, p.Gln426Arg (NM_001378415.1, NM_001378416.1, NM_001378417.1 and 1 more transcripts); short protein forms Q426R.
Identifiers: ClinVar variation 3719312 (VCV003719312.2).

ClinVar aggregate classification (germline): Uncertain significance (1 of 4 stars; one submission).

gnomAD v4.1: 2 of 1,611,946 alleles (0.00012%); highest among the groups gnomAD compares: Non-Finnish European, 0.00017%; no homozygotes.

Submission:

Labcorp Genetics (formerly Invitae), Labcorp
Classification: Uncertain significance. Last evaluated: 2025-05-18. Review status: criteria provided, single submitter. Criteria: Invitae Variant Classification Sherloc (09022015). Collection method: clinical testing. Allele origin: germline.
Comment: This sequence change replaces glutamine, which is neutral and polar, with arginine, which is basic and polar, at codon 426 of the HDAC4 protein (p.Gln426Arg). This variant is not present in population databases (gnomAD no frequency). This variant has not been reported in the literature in individuals affected with HDAC4-related conditions. ClinVar contains an entry for this variant (Variation ID: 3719312). Invitae Evidence Modeling of protein sequence and biophysical properties (such as structural, functional, and spatial information, amino acid conservation, physicochemical variation, residue mobility, and thermodynamic stability) indicates that this missense variant is not expected to disrupt HDAC4 protein function with a negative predictive value of 80%. In summary, the available evidence is currently insufficient to determine the role of this variant in disease. Therefore, it has been classified as a Variant of Uncertain Significance.